The following is an entry in ClinVar:

ClinVar aggregate classification (germline): Likely benign. Review status: criteria provided, single submitter (1 of 4 stars). 2 submissions from 2 submitters: Likely benign (1). 1 of the submissions does not count toward it. Last evaluated 2022-02-24.

Conditions:
TUBB3-related disorder. Also called: TUBB3-related condition; TUBB3-related disorders.

Allele frequency attached by ClinVar (database versions not stated): gnomAD exomes below 0.00001; ExAC 0.00001; gnomAD 0.00003; TOPMed 0.00003; 1000 Genomes Project 30x 0.00016; 1000 Genomes Project 0.00020.
gnomAD v4.1: 13 of 1,614,058 alleles (0.00081%); highest among the groups gnomAD compares: African/African-American, 0.0053%; no homozygotes.

Submissions (2):

Labcorp Genetics (formerly Invitae), Labcorp
Classification: Likely benign. Last evaluated: 2022-02-24. Review status: criteria provided, single submitter. Criteria: Invitae Variant Classification Sherloc (09022015). Collection method: clinical testing. Allele origin: germline.

PreventionGenetics, part of Exact Sciences
Classification: Likely benign for TUBB3-related condition. Last evaluated: 2024-06-27. Review status: no assertion criteria provided. Collection method: clinical testing. Allele origin: germline. Not counted in ClinVar's aggregate classification.
Comment: This variant is classified as likely benign based on ACMG/AMP sequence variant interpretation guidelines (Richards et al. 2015 PMID: 25741868, with internal and published modifications).

NM_006086.4(TUBB3):c.1116G>A (p.Thr372=)

Gene: TUBB3 (tubulin beta 3 class III; plus strand). Cytogenetic location: 16q24.3.
Variant type: single nucleotide variant.
Coding change: c.1116G>A on transcript NM_006086.4 (MANE Select); coding-DNA position 1116, G replaced by A.
Protein change: p.Thr372=; no amino-acid change (threonine 372 retained).
Molecular consequence: synonymous variant.
Genome position (GRCh38, 1-based): chr16:89,935,567, G>A. VCF-style: chr16-89935567-G-A. GRCh37 (hg19) VCF-style: chr16-90001975-G-A.
Other names: c.1116G>A (NM_006086.3); c.900G>A, p.Thr300= (NM_001197181.2).
Identifiers: ClinVar variation 1582661 (VCV001582661.9), dbSNP rs566062002, ClinGen allele CA8256208.